The following is an entry in ClinVar:

ClinVar aggregate classification (germline): Pathogenic (1 of 4 stars; one submission).

Conditions:
Hereditary breast ovarian cancer syndrome. Also called: Hereditary breast and ovarian cancer syndrome (HBOC); Hereditary breast and ovarian cancer syndrome; Breast and ovarian cancer; Hereditary breast and/or ovarian cancer syndrome; Hereditary breast and ovarian cancer; BRCA1- and BRCA2-Associated Hereditary Breast and Ovarian Cancer. Identifiers: Orphanet 145, MedGen C0677776, MeSH D061325, MONDO:0003582. Disease mechanism: loss of function.

Submission:

Labcorp Genetics (formerly Invitae), Labcorp
Classification: Pathogenic for Hereditary breast ovarian cancer syndrome. Last evaluated: 2017-06-26. Review status: criteria provided, single submitter. Criteria: Invitae Variant Classification Sherloc (09022015). Collection method: clinical testing. Allele origin: germline.
Comment: For these reasons, this variant has been classified as Pathogenic. Loss-of-function variants in BRCA2 are known to be pathogenic (PMID: 20104584). This variant has not been reported in the literature in individuals with BRCA2-related disease. This variant is not present in population databases (ExAC no frequency). This sequence change creates a premature translational stop signal (p.Ala1825Cysfs*4) in the BRCA2 gene. It is expected to result in an absent or disrupted protein product.

Literature cited by the submitters: PubMed 20104584.

NM_000059.4(BRCA2):c.5472dup (p.Ala1825fs)

Gene: BRCA2 (BRCA2 DNA repair associated; plus strand). Cytogenetic location: 13q13.1.
Variant type: Duplication.
Coding change: c.5472dup on transcript NM_000059.4 (MANE Select); coding-DNA position 5472, one base duplicated (T; older notation c.5472dupT).
Protein change: p.Ala1825fs; shifts the reading frame from alanine 1825.
Molecular consequence: frameshift variant.
Genome position (GRCh38, 1-based): chr13:32,339,827, T duplicated. VCF-style (leftmost placement, unchanged base first): chr13-32339826-A-AT. GRCh37 (hg19) VCF-style: chr13-32913963-A-AT.
Other names: c.5472dupT (NM_000059.3); short protein forms A1825fs.
Identifiers: ClinVar variation 462381 (VCV000462381.7), dbSNP rs1555284244, ClinGen allele CA658656393.